The following is an entry in ClinVar:

NM_020884.7(MYH7B):c.2677G>A (p.Asp893Asn)

Gene: MYH7B (myosin heavy chain 7B; plus strand). Cytogenetic location: 20q11.22.
Variant type: single nucleotide variant.
Coding change: c.2677G>A on transcript NM_020884.7 (MANE Select); coding-DNA position 2677, G replaced by A.
Protein change: p.Asp893Asn; replaces aspartic acid 893 with asparagine.
Molecular consequence: missense variant.
Genome position (GRCh38, 1-based): chr20:34,994,378, G>A. VCF-style: chr20-34994378-G-A. GRCh37 (hg19) VCF-style: chr20-33582181-G-A.
Other names: short protein forms D893N.
Identifiers: ClinVar variation 4977681 (VCV004977681.1).

ClinVar aggregate classification (germline): Uncertain significance (1 of 4 stars; one submission).

Conditions:
MYH7B-related disorder. Also called: MYH7B-related condition.

gnomAD v4.1: 2 of 1,588,578 alleles (0.00013%); highest among the groups gnomAD compares: Admixed American, 0.0018%; no homozygotes.

Submission:

PreventionGenetics, part of Exact Sciences
Classification: Uncertain significance for MYH7B-related condition. Last evaluated: 2025-10-15. Review status: criteria provided, single submitter. Criteria: ACMG Guidelines, 2015. Collection method: clinical testing. Allele origin: germline.
Comment: The MYH7B c.2803G>A variant is predicted to result in the amino acid substitution p.Asp935Asn. To our knowledge, this variant has not been reported in the literature or in a large population database (gnomAD), indicating this variant is rare. At this time, the clinical significance of this variant is uncertain due to the absence of conclusive functional and genetic evidence.